The following is an entry in ClinVar:

NC_000001.10:g.(?_24128943)_(24131025_?)del

Gene: HMGCL (3-hydroxy-3-methylglutaryl-CoA lyase; minus strand). Cytogenetic location: 1p36.11.
Variant type: Deletion.
Identifiers: ClinVar variation 1459698 (VCV001459698.6).

ClinVar aggregate classification (germline): Pathogenic (1 of 4 stars; one submission).

Conditions:
Deficiency of hydroxymethylglutaryl-CoA lyase (HMGCLD). Also called: Defect in leucine metabolism; 3-hydroxy-3-methylglutaric aciduria; HMGCL DEFICIENCY; HYDROXYMETHYLGLUTARIC ACIDURIA; HMG-CoA LYASE DEFICIENCY. Identifiers: Orphanet 20, MedGen C1533587, MONDO:0009520, OMIM 246450.

Submission:

Labcorp Genetics (formerly Invitae), Labcorp
Classification: Pathogenic for Deficiency of hydroxymethylglutaryl-CoA lyase. Last evaluated: 2020-12-23. Review status: criteria provided, single submitter. Criteria: Invitae Variant Classification Sherloc (09022015). Collection method: clinical testing. Allele origin: germline.
Comment: This variant has not been reported in the literature in individuals with HMGCL-related conditions. This variant is a gross deletion of the genomic region encompassing exon(s) 8-9 of the HMGCL gene. The 5' boundary is likely confined to intron 7. The 3' end of this event is unknown as it extends through the termination codon beyond the assayed region for this gene and may encompass additional genes. While this deletion is not anticipated to lead to nonsense mediated decay, it is expected to alter mRNA translation or result in a truncated protein product. For these reasons, this variant has been classified as Pathogenic. This variant disrupts the C-terminus of the HMGCL protein. Other variant(s) that disrupt this region (p.Glu286*) have been determined to be pathogenic (Invitae). This suggests that variants that disrupt this region of the protein are likely to be causative of disease.